The following is an entry in ClinVar:

NM_032608.7(MYO18B):c.5258G>A (p.Arg1753Gln)

Gene: MYO18B (myosin XVIIIB; plus strand). Cytogenetic location: 22q12.1.
Variant type: single nucleotide variant.
Coding change: c.5258G>A on transcript NM_032608.7 (MANE Select); coding-DNA position 5258, G replaced by A.
Protein change: p.Arg1753Gln; replaces arginine 1753 with glutamine.
Molecular consequence: missense variant.
Genome position (GRCh38, 1-based): chr22:25,908,431, G>A. VCF-style: chr22-25908431-G-A. GRCh37 (hg19) VCF-style: chr22-26304398-G-A.
Other names: c.5261G>A, p.Arg1754Gln (NM_001318245.2); short protein forms R1753Q, R1754Q.
Identifiers: ClinVar variation 1515623 (VCV001515623.4), dbSNP rs143397010, ClinGen allele CA10161112.
Genomic context (GRCh38, chr22:25,908,431, plus strand): 5'-AGAAGGACCGTGAGGACCAGGAGGAGGAACTGGAGGATGTCCGTCAGTCCTGCCAGAAGC[G>A]GGTACGTGAGCAGTGAACACAGCTGTGCCCTTGGATCCTGGCAGGTCTGGCATGGATTCC-3'
Protein context (NP_115997.5, residues 1743-1763): LEDVRQSCQK[Arg1753Gln]LHQLEMQLEQ

ClinVar aggregate classification (germline): Uncertain significance (1 of 4 stars; one submission).

Allele frequency attached by ClinVar (database versions not stated): gnomAD exomes 0.00003; TOPMed 0.00004; gnomAD 0.00007 and 0.00011; ExAC 0.00013; 1000 Genomes Project 30x 0.00062; 1000 Genomes Project 0.00080.
gnomAD v4.1: 165 of 1,579,742 alleles (0.01%); highest among the groups gnomAD compares: East Asian, 0.32%; no homozygotes.

Submission:

Labcorp Genetics (formerly Invitae), Labcorp
Classification: Uncertain significance. Last evaluated: 2023-08-30. Review status: criteria provided, single submitter. Criteria: Invitae Variant Classification Sherloc (09022015). Collection method: clinical testing. Allele origin: germline.
Comment: This variant has not been reported in the literature in individuals affected with MYO18B-related conditions. In summary, the available evidence is currently insufficient to determine the role of this variant in disease. Therefore, it has been classified as a Variant of Uncertain Significance. An algorithm developed to predict the effect of missense changes on protein structure and function (PolyPhen-2) suggests that this variant is likely to be disruptive. ClinVar contains an entry for this variant (Variation ID: 1515623). This variant is present in population databases (rs143397010, gnomAD 0.03%). This sequence change replaces arginine, which is basic and polar, with glutamine, which is neutral and polar, at codon 1753 of the MYO18B protein (p.Arg1753Gln).